The following is an entry in ClinVar:

ClinVar aggregate classification (germline): Uncertain significance (1 of 4 stars; one submission).

Conditions:
LZTFL1-related disorder. Also called: LZTFL1-related condition.

Submission:

PreventionGenetics, part of Exact Sciences
Classification: Uncertain significance for LZTFL1-related condition. Last evaluated: 2026-09-08. Review status: criteria provided, single submitter. Criteria: ACMG Guidelines, 2015. Collection method: clinical testing. Allele origin: germline.
Comment: The LZTFL1 c.814C>T variant is predicted to result in premature protein termination (p.Arg272*). To our knowledge, this variant has not been reported in the literature or in a large population database (gnomAD), indicating this variant is rare. Although we suspect that this variant may be pathogenic, at this time, the clinical significance of this variant is uncertain due to the absence of conclusive functional and genetic evidence.

NM_020347.4(LZTFL1):c.814C>T (p.Arg272Ter)

Gene: LZTFL1 (leucine zipper transcription factor like 1; minus strand). Cytogenetic location: 3p21.31.
Variant type: single nucleotide variant.
Coding change: c.814C>T on transcript NM_020347.4 (MANE Select); coding-DNA position 814, C replaced by T.
Protein change: p.Arg272Ter; replaces arginine 272 with a stop codon.
Molecular consequence: nonsense. On other transcripts: non-coding transcript variant (1), intron variant (6).
Genome position (GRCh38, 1-based): chr3:45,827,423, G>A on the plus strand (C>T on the coding strand, the complement: LZTFL1 is on the minus strand). VCF-style: chr3-45827423-G-A. GRCh37 (hg19) VCF-style: chr3-45868915-G-A.
Other names: c.763C>T, p.Arg255Ter (NM_001276378.2, NM_001386451.1, NM_001405922.1 and 1 more transcripts); c.838C>T, p.Arg280Ter (NM_001405920.1); c.802C>T, p.Arg268Ter (NM_001405921.1); c.748C>T, p.Arg250Ter (NM_001405924.1); c.801+1016C>T (NM_001405925.1); c.765+1016C>T (NM_001276379.2); c.726+1016C>T (NM_001405927.1, NM_001405926.1, NM_001405928.1); c.777+1016C>T (NM_001386452.1); short protein forms R280*, R268*, R272*, R255*, R250*.
Identifiers: ClinVar variation 4999271 (VCV004999271.1).